The following is an entry in ClinVar:

NM_001999.4(FBN2):c.6506G>A (p.Arg2169His)

Gene: FBN2 (fibrillin 2; minus strand). Cytogenetic location: 5q23.3.
Variant type: single nucleotide variant.
Coding change: c.6506G>A on transcript NM_001999.4 (MANE Select); coding-DNA position 6506, G replaced by A.
Protein change: p.Arg2169His; replaces arginine 2169 with histidine.
Molecular consequence: missense variant.
Genome position (GRCh38, 1-based): chr5:128,289,887, C>T on the plus strand (G>A on the coding strand, the complement: FBN2 is on the minus strand). VCF-style: chr5-128289887-C-T. GRCh37 (hg19) VCF-style: chr5-127625579-C-T.
Other names: c.6506G>A (NM_001999.3); short protein forms R2169H.
Identifiers: ClinVar variation 2069802 (VCV002069802.7), dbSNP rs770350362, ClinGen allele CA3394398.

ClinVar aggregate classification (germline): Conflicting classifications of pathogenicity. Review status: criteria provided, conflicting classifications (1 of 4 stars). 3 submissions from 3 submitters: Uncertain significance (1); Likely benign (1). 1 of the submissions does not count toward it. Last evaluated 2026-03-19.

Conditions:
FBN2-related disorder. Also called: FBN2-related condition.
Familial thoracic aortic aneurysm and aortic dissection (TAAD). Also called: Thoracic aortic aneurysms and dissections. Identifiers: Orphanet 91387, MedGen C4707243, MONDO:0019625.
Congenital contractural arachnodactyly (CCA). Also called: Beals-Hecht syndrome; Arthrogryposis, distal, type 9; BEALS SYNDROME. Identifiers: Orphanet 115, MedGen C0220668, MONDO:0007363, OMIM 121050.

Allele frequency attached by ClinVar (database versions not stated): ExAC 0.00001.
gnomAD v4.1: 3 of 1,567,006 alleles (0.00019%); highest among the groups gnomAD compares: South Asian, 0.0011%; no homozygotes.

Submissions (3):

Ambry Genetics
Classification: Uncertain significance for Familial thoracic aortic aneurysm and aortic dissection. Last evaluated: 2026-03-19. Review status: criteria provided, single submitter. Criteria: Ambry Variant Classification Scheme 2023. Collection method: clinical testing. Allele origin: germline.
Comment: The p.R2169H variant (also known as c.6506G>A), located in coding exon 51 of the FBN2 gene, results from a G to A substitution at nucleotide position 6506. The arginine at codon 2169 is replaced by histidine, an amino acid with highly similar properties. This amino acid position is conserved. In addition, the in silico prediction for this alteration is inconclusive. Based on the available evidence, the clinical significance of this variant remains unclear.

Labcorp Genetics (formerly Invitae), Labcorp
Classification: Likely benign for Congenital contractural arachnodactyly. Last evaluated: 2022-05-05. Review status: criteria provided, single submitter. Criteria: Invitae Variant Classification Sherloc (09022015). Collection method: clinical testing. Allele origin: germline.

PreventionGenetics, part of Exact Sciences
Classification: Uncertain significance for FBN2-related condition. Last evaluated: 2023-10-25. Review status: no assertion criteria provided. Collection method: clinical testing. Allele origin: germline. Not counted in ClinVar's aggregate classification.
Comment: The FBN2 c.6506G>A variant is predicted to result in the amino acid substitution p.Arg2169His. To our knowledge, this variant has not been reported in the literature. This variant is reported in 0.00088% of alleles in individuals of European (Non-Finnish) descent in gnomAD. At this time, the clinical significance of this variant is uncertain due to the absence of conclusive functional and genetic evidence.